The following is an entry in ClinVar:

NM_004260.4(RECQL4):c.2866C>T (p.Leu956Phe)

Gene: RECQL4 (RecQ like helicase 4; minus strand). Cytogenetic location: 8q24.3.
Variant type: single nucleotide variant.
Coding change: c.2866C>T on transcript NM_004260.4 (MANE Select); coding-DNA position 2866, C replaced by T.
Protein change: p.Leu956Phe; replaces leucine 956 with phenylalanine.
Molecular consequence: missense variant.
Genome position (GRCh38, 1-based): chr8:144,512,661, G>A on the plus strand (C>T on the coding strand, the complement: RECQL4 is on the minus strand). VCF-style: chr8-144512661-G-A. GRCh37 (hg19) VCF-style: chr8-145738044-G-A.
Other names: short protein forms L956F.
Identifiers: ClinVar variation 850130 (VCV000850130.5), dbSNP rs1827472743, ClinGen allele CA372673922.

ClinVar aggregate classification (germline): Uncertain significance (1 of 4 stars; one submission).

Conditions:
Baller-Gerold syndrome (BGS). Also called: CRANIOSYNOSTOSIS WITH RADIAL DEFECTS. Identifiers: Orphanet 1225, MedGen C0265308, MONDO:0009039, OMIM 218600.

Allele frequency attached by ClinVar (database versions not stated): gnomAD exomes below 0.00001; TOPMed below 0.00001.
gnomAD v4.1: 2 of 1,612,574 alleles (0.00012%); highest among the groups gnomAD compares: East Asian, 0.0022%; no homozygotes.

Submission:

Labcorp Genetics (formerly Invitae), Labcorp
Classification: Uncertain significance for Baller-Gerold syndrome. Last evaluated: 2021-07-16. Review status: criteria provided, single submitter. Criteria: Invitae Variant Classification Sherloc (09022015). Collection method: clinical testing. Allele origin: germline.
Comment: This variant has not been reported in the literature in individuals with RECQL4-related conditions. This variant is not present in population databases (ExAC no frequency). This sequence change replaces leucine with phenylalanine at codon 956 of the RECQL4 protein (p.Leu956Phe). The leucine residue is highly conserved and there is a small physicochemical difference between leucine and phenylalanine. Algorithms developed to predict the effect of missense changes on protein structure and function are either unavailable or do not agree on the potential impact of this missense change (SIFT: "Deleterious"; PolyPhen-2: "Probably Damaging"; Align-GVGD: "Class C0"). In summary, the available evidence is currently insufficient to determine the role of this variant in disease. Therefore, it has been classified as a Variant of Uncertain Significance.